The following is an entry in ClinVar:

NM_001097577.3(ANG):c.224G>A (p.Arg75His)

Genes: ANG (angiogenin; plus strand), EGILA (EGFR interacting lncRNA; minus strand), RNASE4 (ribonuclease A family member 4; plus strand). Cytogenetic location: 14q11.2.
Variant type: single nucleotide variant.
Coding change: c.224G>A on transcript NM_001097577.3 (MANE Select); coding-DNA position 224, G replaced by A.
Protein change: p.Arg75His; replaces arginine 75 with histidine.
Molecular consequence: missense variant. On other transcripts: intron variant (4).
Genome position (GRCh38, 1-based): chr14:20,693,788, G>A. VCF-style: chr14-20693788-G-A. GRCh37 (hg19) VCF-style: chr14-21161947-G-A.
Other names: c.224G>A, p.Arg75His (NM_001145.4, NM_001385271.1, NM_001385272.1 and 2 more transcripts); c.-18+138G>A (NM_001282192.2); c.-17-5567G>A (NM_002937.5, NM_001282193.2); c.-18+4914G>A (NM_194431.3); short protein forms R75H.
Identifiers: ClinVar variation 883658 (VCV000883658.8), dbSNP rs146485834, ClinGen allele CA7083158.

ClinVar aggregate classification (germline): Uncertain significance. Review status: criteria provided, multiple submitters, no conflicts (2 of 4 stars). 2 submissions from 2 submitters: Uncertain significance (2). Last evaluated 2025-08-18.

Conditions:
Amyotrophic lateral sclerosis type 9 (ALS9). Identifiers: Orphanet 803, MedGen C2678468, MONDO:0012753, OMIM 611895.

Allele frequency attached by ClinVar (database versions not stated): TOPMed 0.00019; ESP Exome Variant Server 0.00023.

Submissions (2):

Labcorp Genetics (formerly Invitae), Labcorp
Classification: Uncertain significance. Last evaluated: 2025-08-18. Review status: criteria provided, single submitter. Criteria: Invitae Variant Classification Sherloc (09022015). Collection method: clinical testing. Allele origin: germline.
Comment: This sequence change replaces arginine, which is basic and polar, with histidine, which is basic and polar, at codon 75 of the ANG protein (p.Arg75His). This variant is present in population databases (rs146485834, gnomAD 0.03%). This variant has not been reported in the literature in individuals affected with ANG-related conditions. ClinVar contains an entry for this variant (Variation ID: 883658). An algorithm developed to predict the effect of missense changes on protein structure and function outputs the following: PolyPhen-2: "Benign". The histidine amino acid residue is found in multiple mammalian species, which suggests that this missense change does not adversely affect protein function. In summary, the available evidence is currently insufficient to determine the role of this variant in disease. Therefore, it has been classified as a Variant of Uncertain Significance.

Illumina Laboratory Services, Illumina
Classification: Uncertain significance for Amyotrophic lateral sclerosis type 9. Last evaluated: 2018-01-12. Review status: criteria provided, single submitter. Criteria: ICSL Variant Classification Criteria 13 December 2019. Collection method: clinical testing. Allele origin: germline.